The following is an entry in ClinVar:

NM_001130144.3(LTBP3):c.3832G>A (p.Gly1278Ser)

Gene: LTBP3 (latent transforming growth factor beta binding protein 3; minus strand). Cytogenetic location: 11q13.1.
Variant type: single nucleotide variant.
Coding change: c.3832G>A on transcript NM_001130144.3 (MANE Select); coding-DNA position 3832, G replaced by A.
Protein change: p.Gly1278Ser; replaces glycine 1278 with serine.
Molecular consequence: missense variant.
Genome position (GRCh38, 1-based): chr11:65,539,160, C>T on the plus strand (G>A on the coding strand, the complement: LTBP3 is on the minus strand). VCF-style: chr11-65539160-C-T. GRCh37 (hg19) VCF-style: chr11-65306631-C-T.
Other names: c.3340G>A, p.Gly1114Ser (NM_001164266.1); c.3691G>A, p.Gly1231Ser (NM_021070.4); short protein forms G1231S, G1114S, G1278S.
Identifiers: ClinVar variation 1735362 (VCV001735362.2), dbSNP rs2496109168, ClinGen allele CA381265914.
Genomic context (GRCh38, chr11:65,539,160, plus strand): 5'-CGCAGGCCCCGTGCGGGCGGCTGCGCGCGAAGCCGGCTTTGCAGACGCAGCGGAAGGAGC[C>T]GCTGGTGTTCACGCAGCGCTCGCTCTTGCACAGCAGCCCGCGCTGGTTCAGCTCTCGGCA-3'
Protein context (NP_001123616.1, residues 1268-1288): CKSERCVNTS[Gly1278Ser]SFRCVCKAGF

ClinVar aggregate classification (germline): Uncertain significance (1 of 4 stars; one submission).

Conditions:
Inborn genetic diseases. Identifiers: MedGen C0950123, MeSH D030342.

Submission:

Ambry Genetics
Classification: Uncertain significance for Inborn genetic diseases. Last evaluated: 2022-03-03. Review status: criteria provided, single submitter. Criteria: Ambry Variant Classification Scheme 2023. Collection method: clinical testing. Allele origin: germline.
Comment: The p.G1278S variant (also known as c.3832G>A), located in coding exon 28 of the LTBP3 gene, results from a G to A substitution at nucleotide position 3832. The glycine at codon 1278 is replaced by serine, an amino acid with similar properties. This amino acid position is conserved. In addition, this alteration is predicted to be deleterious by in silico analysis. Since supporting evidence is limited at this time, the clinical significance of this alteration remains unclear.